The following is an entry in ClinVar:

NM_153717.3(EVC):c.2T>C (p.Met1Thr)

Genes: EVC (EvC ciliary complex subunit 1; plus strand), LOC129992144 (ATAC-STARR-seq lymphoblastoid silent region 15223; plus strand). Cytogenetic location: 4p16.2.
Variant type: single nucleotide variant.
Coding change: c.2T>C on transcript NM_153717.3 (MANE Select); coding-DNA position 2, T replaced by C.
Protein change: p.Met1Thr; changes the start codon (methionine 1).
Molecular consequence: missense variant, initiator codon variant.
Genome position (GRCh38, 1-based): chr4:5,711,382, T>C. VCF-style: chr4-5711382-T-C. GRCh37 (hg19) VCF-style: chr4-5713109-T-C.
Other names: c.2T>C, p.Met1Thr (NM_001306090.2, NM_001306092.2); short protein forms M1T.
Identifiers: ClinVar variation 2067635 (VCV002067635.5), dbSNP rs1553857801, ClinGen allele CA356156115.
Genomic context (GRCh38, chr4:5,711,382, plus strand): 5'-TGGCGGGGACGGTGCAGCAGGCGGCGGGATGCGGCGGGGCGGCAGCCTGAGCGCCCCGGA[T>C]GGCCCGCGGCGGGGCGGCCTGCAAGAGCGACGCGCGGCTGCTGCTGGGGCGGGACGCGCT-3'
Protein context (NP_714928.1, residues 1-11): [Met1Thr]ARGGAACKSD

ClinVar aggregate classification (germline): Likely pathogenic (1 of 4 stars; one submission).

Conditions:
Curry-Hall syndrome (WAD). Also called: WEYERS ACRODENTAL DYSOSTOSIS. Identifiers: Orphanet 952, MedGen C0457013, MONDO:0008673, OMIM 193530.
Ellis-van Creveld syndrome (EVC). Also called: Chondroectodermal dysplasia; MESOECTODERMAL DYSPLASIA; EVC-Related Ellis-van Creveld Syndrome; EVC2-Related Ellis-van Creveld Syndrome. Identifiers: Orphanet 289, MedGen C0013903, MONDO:0009162, OMIM 225500.

Submission:

Labcorp Genetics (formerly Invitae), Labcorp
Classification: Likely pathogenic for Curry-Hall syndrome; Ellis-van Creveld syndrome. Last evaluated: 2021-12-31. Review status: criteria provided, single submitter. Criteria: Invitae Variant Classification Sherloc (09022015). Collection method: clinical testing. Allele origin: germline.
Comment: In summary, the currently available evidence indicates that the variant is pathogenic, but additional data are needed to prove that conclusively. Therefore, this variant has been classified as Likely Pathogenic. Disruption of the initiator codon has been observed in individuals with Ellis-van Creveld syndrome (PMID: 19810119, 28854412). It has also been observed to segregate with disease in related individuals. This variant is not present in population databases (gnomAD no frequency). This sequence change affects the initiator methionine of the EVC mRNA. The next in-frame methionine is located at codon 92.

Literature cited by the submitters: PubMed 19810119; PubMed 28854412.